The following is an entry in ClinVar:

ClinVar aggregate classification (germline): Uncertain significance (1 of 4 stars; one submission).

Conditions:
46,XY sex reversal 6. Also called: 46,XY GONADAL DYSGENESIS, PARTIAL OR COMPLETE, MAP3K1-RELATED; 46,XY SEX REVERSAL, PARTIAL OR COMPLETE, MAP3K1-RELATED. Identifiers: MedGen C3151064, MONDO:0013410, OMIM 613762.

gnomAD v4.1: 5 of 1,613,758 alleles (0.00031%); highest among the groups gnomAD compares: Admixed American, 0.0017%; no homozygotes.

Submission:

Labcorp Genetics (formerly Invitae), Labcorp
Classification: Uncertain significance for 46,XY sex reversal 6. Last evaluated: 2024-12-31. Review status: criteria provided, single submitter. Criteria: Invitae Variant Classification Sherloc (09022015). Collection method: clinical testing. Allele origin: germline.
Comment: This sequence change replaces asparagine, which is neutral and polar, with serine, which is neutral and polar, at codon 1318 of the MAP3K1 protein (p.Asn1318Ser). This variant is present in population databases (rs372769692, gnomAD 0.007%). This variant has not been reported in the literature in individuals affected with MAP3K1-related conditions. Invitae Evidence Modeling of protein sequence and biophysical properties (such as structural, functional, and spatial information, amino acid conservation, physicochemical variation, residue mobility, and thermodynamic stability) indicates that this missense variant is not expected to disrupt MAP3K1 protein function with a negative predictive value of 80%. In summary, the available evidence is currently insufficient to determine the role of this variant in disease. Therefore, it has been classified as a Variant of Uncertain Significance.

NM_005921.2(MAP3K1):c.3953A>G (p.Asn1318Ser)

Gene: MAP3K1 (mitogen-activated protein kinase kinase kinase 1; plus strand). Cytogenetic location: 5q11.2.
Variant type: single nucleotide variant.
Coding change: c.3953A>G on transcript NM_005921.2 (MANE Select); coding-DNA position 3953, A replaced by G.
Protein change: p.Asn1318Ser; replaces asparagine 1318 with serine.
Molecular consequence: missense variant.
Genome position (GRCh38, 1-based): chr5:56,884,797, A>G. VCF-style: chr5-56884797-A-G. GRCh37 (hg19) VCF-style: chr5-56180624-A-G.
Other names: short protein forms N1318S.
Identifiers: ClinVar variation 3668139 (VCV003668139.2).
Genomic context (GRCh38, chr5:56,884,797, plus strand): 5'-TGAGCCATCTGAATCATCCAAACATCATTAGGATGTTGGGAGCCACGTGTGAGAAGAGCA[A>G]TTACAATCTCTTCATTGAATGGATGGCAGGTATGTTAATGTTTTAAATTACAAAATAGTA-3'
Protein context (NP_005912.1, residues 1308-1328): RMLGATCEKS[Asn1318Ser]YNLFIEWMAG